The following is an entry in ClinVar:

ClinVar aggregate classification (germline): Likely benign (1 of 4 stars; one submission).

Conditions:
UNC45B-related disorder. Also called: UNC45B-related condition.

gnomAD v4.1: 12 of 1,614,078 alleles (0.00074%); highest among the groups gnomAD compares: African/African-American, 0.0027%; no homozygotes.

Submission:

PreventionGenetics, part of Exact Sciences
Classification: Likely benign for UNC45B-related condition. Last evaluated: 2026-04-17. Review status: criteria provided, single submitter. Criteria: ACMG Guidelines, 2015. Collection method: clinical testing. Allele origin: germline.
Comment: This variant is classified as likely benign based on ACMG/AMP sequence variant interpretation guidelines (Richards et al. 2015 PMID: 25741868, with internal and published modifications).

NM_001267052.2(UNC45B):c.2082C>T (p.His694=)

Gene: UNC45B (unc-45 myosin chaperone B; plus strand). Cytogenetic location: 17q12.
Variant type: single nucleotide variant.
Coding change: c.2082C>T on transcript NM_001267052.2 (MANE Select); coding-DNA position 2082, C replaced by T.
Protein change: p.His694=; no amino-acid change (histidine 694 retained).
Molecular consequence: synonymous variant.
Genome position (GRCh38, 1-based): chr17:35,177,073, C>T. VCF-style: chr17-35177073-C-T. GRCh37 (hg19) VCF-style: chr17-33504092-C-T.
Other names: c.2082C>T, p.His694= (NM_001033576.2); c.1845C>T, p.His615= (NM_001308281.1); c.2088C>T, p.His696= (NM_173167.3).
Identifiers: ClinVar variation 4979879 (VCV004979879.1).